The following is an entry in ClinVar:

NM_004991.4(MECOM):c.2448G>A (p.Gln816=)

Gene: MECOM (MDS1 and EVI1 complex locus; minus strand). Cytogenetic location: 3q26.2.
Variant type: single nucleotide variant.
Coding change: c.2448G>A on transcript NM_004991.4 (MANE Select); coding-DNA position 2448, G replaced by A.
Protein change: p.Gln816=; no amino-acid change (glutamine 816 retained).
Molecular consequence: synonymous variant.
Genome position (GRCh38, 1-based): chr3:169,115,424, C>T on the plus strand (G>A on the coding strand, the complement: MECOM is on the minus strand). VCF-style: chr3-169115424-C-T. GRCh37 (hg19) VCF-style: chr3-168833212-C-T.
Other names: p.Gln816=; c.2079G>A, p.Gln693= (NM_001105077.4); c.1884G>A, p.Gln628= (NM_001105078.4, NM_001164000.2, NM_001205194.2 and 4 more transcripts); c.1887G>A, p.Gln629= (NM_001163999.2, NM_001366467.2, NM_001366468.2 and 1 more transcripts); c.2448G>A, p.Gln816= (NM_001366466.2); c.1476G>A, p.Gln492= (NM_001366473.2); c.912G>A, p.Gln304= (NM_001366474.2); c.2448G>A (NM_004991.3); and 1 more.
Identifiers: ClinVar variation 2069472 (VCV002069472.8), dbSNP rs146103170, ClinGen allele CA2696172.

ClinVar aggregate classification (germline): Benign/Likely benign. Review status: criteria provided, multiple submitters, no conflicts (2 of 4 stars). 5 submissions from 5 submitters: Benign (1); Likely benign (4). Last evaluated 2026-04-09.

Conditions:
Inborn genetic diseases. Identifiers: MedGen C0950123, MeSH D030342.
MECOM-related disorder. Also called: MECOM-related condition.

Allele frequency attached by ClinVar (database versions not stated): gnomAD exomes 0.00009; ExAC 0.00029; 1000 Genomes Project 0.00080; 1000 Genomes Project 30x 0.00109; TOPMed 0.00110; gnomAD 0.00113; ESP Exome Variant Server 0.00154.
gnomAD v4.1: 302 of 1,614,140 alleles (0.019%); highest among the groups gnomAD compares: African/African-American, 0.37%; 1 homozygote.

Submissions (5):

PreventionGenetics, part of Exact Sciences
Classification: Likely benign for MECOM-related condition. Last evaluated: 2026-04-09. Review status: criteria provided, single submitter. Criteria: ACMG Guidelines, 2015. Collection method: clinical testing. Allele origin: germline.
Comment: This variant is classified as likely benign based on ACMG/AMP sequence variant interpretation guidelines (Richards et al. 2015 PMID: 25741868, with internal and published modifications).

Labcorp Genetics (formerly Invitae), Labcorp
Classification: Benign. Last evaluated: 2025-12-29. Review status: criteria provided, single submitter. Criteria: Invitae Variant Classification Sherloc (09022015). Collection method: clinical testing. Allele origin: germline.

Mayo Clinic Laboratories, Mayo Clinic
Classification: Likely benign. Last evaluated: 2024-12-06. Review status: criteria provided, single submitter. Criteria: ACMG Guidelines, 2015. Collection method: clinical testing. Allele origin: germline. Observed: 1 variant allele.
Comment: BS1, BP4, BP7

Ambry Genetics
Classification: Likely benign for Inborn genetic diseases. Last evaluated: 2024-11-17. Review status: criteria provided, single submitter. Criteria: Ambry Variant Classification Scheme 2023. Collection method: clinical testing. Allele origin: germline.

Blueprint Genetics
Classification: Likely benign. Last evaluated: 2024-07-15. Review status: criteria provided, single submitter. Criteria: ACMG Guidelines, 2015. Collection method: clinical testing. Allele origin: germline.